The following is an entry in ClinVar:

ClinVar aggregate classification (germline): Benign/Likely benign. Review status: criteria provided, multiple submitters, no conflicts (2 of 4 stars). 11 submissions from 11 submitters: Benign (7); Likely benign (4). Last evaluated 2026-08-01.

Conditions:
Inborn genetic diseases. Identifiers: MedGen C0950123, MeSH D030342.
Charcot-Marie-Tooth disease dominant intermediate E. Also called: CHARCOT-MARIE-TOOTH NEUROPATHY WITH FOCAL SEGMENTAL GLOMERULONEPHRITIS. Identifiers: Orphanet 93114, MedGen C4302667, MONDO:0013758, OMIM 614455.
Focal segmental glomerulosclerosis 5 (FSGS5). Identifiers: Orphanet 656, MedGen C2750475, MONDO:0013191, OMIM 613237.
Focal segmental glomerulosclerosis (FSGS). Also called: Glomerulosclerosis, focal; Focal sclerosis with hyalinosis. Identifiers: MedGen C0017668, MONDO:0100313, HP:0000097. Disease mechanism: loss of function.

Allele frequency attached by ClinVar (database versions not stated): 1000 Genomes Project 0.00220; 1000 Genomes Project 30x 0.00265; gnomAD 0.00472 and 0.00477; TOPMed 0.00486; gnomAD exomes 0.00505 and 0.00619; ExAC 0.00626.
gnomAD v4.1: 9,472 of 1,563,498 alleles (0.61%); highest among the groups gnomAD compares: Middle Eastern, 1.1%; 53 homozygotes.

Submissions (11):

CeGaT Center for Human Genetics Tuebingen
Classification: Benign. Last evaluated: 2026-08-01. Review status: criteria provided, single submitter. Criteria: CeGaT Center For Human Genetics Tuebingen Variant Classification Criteria Version 2. Collection method: clinical testing. Allele origin: germline. Affected: yes. Observed: 27 variant alleles.
Comment: INF2: BP4, BP7, BS1, BS2

Labcorp Genetics (formerly Invitae), Labcorp
Classification: Benign for Charcot-Marie-Tooth disease dominant intermediate E; Focal segmental glomerulosclerosis 5. Last evaluated: 2026-01-31. Review status: criteria provided, single submitter. Criteria: Invitae Variant Classification Sherloc (09022015). Collection method: clinical testing. Allele origin: germline.

ARUP Laboratories, Molecular Genetics and Genomics, ARUP Laboratories
Classification: Benign. Last evaluated: 2025-07-18. Review status: criteria provided, single submitter. Criteria: ARUP Molecular Germline Variant Investigation Process 2024. Collection method: clinical testing. Allele origin: germline.

Mayo Clinic Laboratories, Mayo Clinic
Classification: Likely benign. Last evaluated: 2025-07-14. Review status: criteria provided, single submitter. Criteria: ACMG Guidelines, 2015. Collection method: clinical testing. Allele origin: germline. Observed: 33 variant alleles.
Comment: BS1, BP4, BP7

Blueprint Genetics
Classification: Benign. Last evaluated: 2024-11-25. Review status: criteria provided, single submitter. Criteria: ACMG Guidelines, 2015. Collection method: clinical testing. Allele origin: germline.

Genome Diagnostics Laboratory, The Hospital for Sick Children
Classification: Benign for Focal segmental glomerulosclerosis. Last evaluated: 2021-10-13. Review status: criteria provided, single submitter. Criteria: ACMG Guidelines, 2015. Collection method: clinical testing. Allele origin: germline.

Ambry Genetics
Classification: Likely benign for Inborn genetic diseases. Last evaluated: 2019-07-11. Review status: criteria provided, single submitter. Criteria: Ambry Variant Classification Scheme 2023. Collection method: clinical testing. Allele origin: germline.

Illumina Laboratory Services, Illumina
Classification: Likely benign for Focal segmental glomerulosclerosis 5. Last evaluated: 2017-04-27. Review status: criteria provided, single submitter. Criteria: ICSL Variant Classification Criteria 13 December 2019. Collection method: clinical testing. Allele origin: germline.
Comment: This variant was observed as part of a predisposition screen in an ostensibly healthy population. A literature search was performed for the gene, cDNA change, and amino acid change (where applicable). No publications were found based on this search. Allele frequency data from public databases allowed determination this variant is unlikely to cause disease. Therefore, this variant is classified as likely benign.

GeneDx
Classification: Benign. Last evaluated: 2016-03-07. Review status: criteria provided, single submitter. Criteria: GeneDx Variant Classification (06012015). Collection method: clinical testing. Allele origin: germline. Affected: yes.
Comment: This variant is considered likely benign or benign based on one or more of the following criteria: it is a conservative change, it occurs at a poorly conserved position in the protein, it is predicted to be benign by multiple in silico algorithms, and/or has population frequency not consistent with disease.

Breakthrough Genomics
Classification: Likely benign. Review status: criteria provided, single submitter. Criteria: ACMG Guidelines, 2015. Collection method: not provided. Allele origin: germline. Inheritance: Autosomal dominant inheritance. Affected: yes.

PreventionGenetics, part of Exact Sciences
Classification: Benign. Review status: criteria provided, single submitter. Criteria: ACMG Guidelines, 2015. Collection method: clinical testing. Allele origin: germline.

NM_022489.4(INF2):c.3069C>T (p.Pro1023=)

Gene: INF2 (inverted formin 2; plus strand). Cytogenetic location: 14q32.33.
Variant type: single nucleotide variant.
Coding change: c.3069C>T on transcript NM_022489.4 (MANE Select); coding-DNA position 3069, C replaced by T.
Protein change: p.Pro1023=; no amino-acid change (proline 1023 retained).
Molecular consequence: synonymous variant.
Genome position (GRCh38, 1-based): chr14:104,714,231, C>T. VCF-style: chr14-104714231-C-T. GRCh37 (hg19) VCF-style: chr14-105180568-C-T.
Other names: p.Pro1023=; c.3069C>T, p.Pro1023= (NM_001031714.4).
Identifiers: ClinVar variation 261614 (VCV000261614.54), dbSNP rs75382114, ClinGen allele CA7373172.